The following is an entry in ClinVar:

NM_000051.4(ATM):c.1409C>G (p.Ser470Ter)

Gene: ATM (ATM serine/threonine kinase; plus strand). Cytogenetic location: 11q22.3.
Variant type: single nucleotide variant.
Coding change: c.1409C>G on transcript NM_000051.4 (MANE Select); coding-DNA position 1409, C replaced by G.
Protein change: p.Ser470Ter; replaces serine 470 with a stop codon.
Molecular consequence: nonsense.
Genome position (GRCh38, 1-based): chr11:108,250,874, C>G. VCF-style: chr11-108250874-C-G. GRCh37 (hg19) VCF-style: chr11-108121601-C-G.
Other names: c.1409C>G, p.Ser470Ter (NM_001351834.2); short protein forms S470*.
Identifiers: ClinVar variation 962949 (VCV000962949.9), dbSNP rs1591523878, ClinGen allele CA382533961.
Genomic context (GRCh38, chr11:108,250,874, plus strand): 5'-AACGTACACCATATGTGTTACGATGCCTTACGGAAGTTGCATTGTGTCAAGACAAGAGGT[C>G]AAACCTAGAAAGCTCACAAAAGTCAGATTTATTAAAACTCTGGAATAAAATTTGGTGTAT-3'

ClinVar aggregate classification (germline): Conflicting classifications of pathogenicity. Review status: criteria provided, conflicting classifications (1 of 4 stars). 2 submissions from 2 submitters: Pathogenic (1); Uncertain significance (1). Last evaluated 2023-03-08.

Conditions:
Hereditary cancer-predisposing syndrome. Also called: Hereditary neoplastic syndrome; Tumor predisposition; Neoplastic Syndromes, Hereditary; Hereditary Cancer Syndrome. Identifiers: Orphanet 140162, MedGen C0027672, MeSH D009386, MONDO:0015356.
Ataxia-telangiectasia syndrome (AT). Also called: AT, COMPLEMENTATION GROUP C; Ataxia telangiectasia (A-T); Cerebello-oculocutaneous telangiectasia; Immunodeficiency with ataxia telangiectasia; LOUIS-BAR SYNDROME; Ataxia-telangiectasia. Identifiers: Orphanet 100, MedGen C0004135, MONDO:0008840, OMIM 208900.

Submissions (2):

Ambry Genetics
Classification: Uncertain significance for Hereditary cancer-predisposing syndrome. Last evaluated: 2023-03-08. Review status: criteria provided, single submitter. Criteria: Ambry Variant Classification Scheme 2023. Collection method: clinical testing. Allele origin: germline.
Comment: The c.1409C>G pathogenic mutation (also known as p.S470*), located in coding exon 9 of the ATM gene, results from a C to G substitution at nucleotide position 1409. This changes the amino acid from a serine to a stop codon within coding exon 9. This alteration is expected to result in loss of function by premature protein truncation or nonsense-mediated mRNA decay. However, in silico splice site analysis predicts that this alteration will result in the creation or strengthening of a novel splice donor site. This nucleotide position is well conserved in available vertebrate species. The resulting transcript is predicted to be in-frame and is not expected to trigger nonsense-mediated mRNA decay; however, direct evidence is insufficient at this time (Ambry internal data). The exact functional effect of the altered amino acid sequence is unknown. Since supporting evidence is conflicting at this time, the clinical significance of this alteration remains unclear.

Labcorp Genetics (formerly Invitae), Labcorp
Classification: Pathogenic for Ataxia-telangiectasia syndrome. Last evaluated: 2021-06-12. Review status: criteria provided, single submitter. Criteria: Invitae Variant Classification Sherloc (09022015). Collection method: clinical testing. Allele origin: germline.
Comment: For these reasons, this variant has been classified as Pathogenic. This variant has not been reported in the literature in individuals with ATM-related conditions. ClinVar contains an entry for this variant (Variation ID: 962949). This variant is not present in population databases (ExAC no frequency). This sequence change creates a premature translational stop signal (p.Ser470*) in the ATM gene. It is expected to result in an absent or disrupted protein product. Loss-of-function variants in ATM are known to be pathogenic (PMID: 23807571, 25614872).

Literature cited by the submitters: PubMed 23807571 (cited by Labcorp Genetics (formerly Invitae), Labcorp); PubMed 25614872 (cited by Labcorp Genetics (formerly Invitae), Labcorp).